The following is an entry in ClinVar:

ClinVar aggregate classification (germline): Benign/Likely benign. Review status: criteria provided, multiple submitters, no conflicts (2 of 4 stars). 10 submissions from 10 submitters: Benign (1); Likely benign (7). 2 of the submissions do not count toward it. Last evaluated 2026-01-21.

Conditions:
DSP-related disorder. Also called: DSP-related condition; DSP-related disorders.
Cardiovascular phenotype. Identifiers: MedGen CN230736.
Cardiomyopathy (CMYO). Also called: Cardiomyopathies. Identifiers: Orphanet 167848, MedGen C0878544, MONDO:0004994, HP:0001638. Inheritance: Various modes of inheritance.
Arrhythmogenic cardiomyopathy with wooly hair and keratoderma. Also called: Dilated cardiomyopathy with woolly hair and keratoderma; Arrhythmogenic cardiomyopathy with woolly hair and keratoderma; PALMOPLANTAR KERATODERMA WITH LEFT VENTRICULAR CARDIOMYOPATHY AND WOOLLY HAIR; Carvajal syndrome. Identifiers: Orphanet 65282, MedGen C1854063, MONDO:0011581, OMIM 605676.
Arrhythmogenic right ventricular dysplasia 8 (ARVD8). Also called: Arrhythmogenic Right Ventricular Dysplasia/Cardiomyopathy 8; ARRHYTHMOGENIC RIGHT VENTRICULAR DYSPLASIA, FAMILIAL, 8; ARRHYTHMOGENIC RIGHT VENTRICULAR CARDIOMYOPATHY 8. Identifiers: MedGen C1843896, MONDO:0011831, OMIM 607450.

Submissions (10):

Labcorp Genetics (formerly Invitae), Labcorp
Classification: Benign for Arrhythmogenic cardiomyopathy with wooly hair and keratoderma; Arrhythmogenic right ventricular dysplasia 8. Last evaluated: 2026-01-21. Review status: criteria provided, single submitter. Criteria: Invitae Variant Classification Sherloc (09022015). Collection method: clinical testing. Allele origin: germline.

ARUP Laboratories, Molecular Genetics and Genomics, ARUP Laboratories
Classification: Likely benign. Last evaluated: 2022-08-16. Review status: criteria provided, single submitter. Criteria: ARUP Molecular Germline Variant Investigation Process 2021. Collection method: clinical testing. Allele origin: germline.

GeneDx
Classification: Likely benign. Last evaluated: 2020-02-13. Review status: criteria provided, single submitter. Criteria: GeneDx Variant Classification Process June 2021. Collection method: clinical testing. Allele origin: germline. Affected: yes.

Ambry Genetics
Classification: Likely benign for Cardiovascular phenotype. Last evaluated: 2019-10-29. Review status: criteria provided, single submitter. Criteria: Ambry Variant Classification Scheme 2023. Collection method: clinical testing. Allele origin: germline.

Color Diagnostics, LLC DBA Color Health
Classification: Likely benign for Cardiomyopathy. Last evaluated: 2018-11-21. Review status: criteria provided, single submitter. Criteria: ACMG Guidelines, 2015. Collection method: clinical testing. Allele origin: germline.

Center for Advanced Laboratory Medicine, UC San Diego Health, University of California San Diego
Classification: Likely benign for Cardiomyopathy. Last evaluated: 2018-06-26. Review status: criteria provided, single submitter. Criteria: ACMG Guidelines, 2015. Collection method: clinical testing. Allele origin: germline. Affected: yes. Observed: 1 variant allele.

Women's Health and Genetics/Laboratory Corporation of America, LabCorp
Classification: Likely benign. Last evaluated: 2018-04-23. Review status: criteria provided, single submitter. Criteria: LabCorp Variant Classification Summary - May 2015. Collection method: clinical testing. Allele origin: germline.
Comment: Variant summary: DSP c.8117_8119delAGA (p.Lys2706del) results in an in-frame deletion that is predicted to remove one amino acid from the encoded protein. The variant allele was found at a frequency of 0.00057 in 277174 control chromosomes. The observed variant frequency is approximately 57 fold above the estimated maximal expected allele frequency for a pathogenic variant in DSP causing Arrhythmia phenotype (1e-05), strongly suggesting that the variant is benign. To our knowledge, no occurrence of c.8117_8119delAGA in individuals affected with Arrhythmia and no experimental evidence demonstrating its impact on protein function have been reported. Three clinical diagnostic laboratories have submitted clinical-significance assessments for this variant to ClinVar after 2014: one VUS, one likely benign, and one benign. Based on the evidence outlined above, the variant was classified as likely benign.

Eurofins Ntd Llc (ga)
Classification: Likely benign. Last evaluated: 2016-11-30. Review status: criteria provided, single submitter. Criteria: EGL Classification Definitions 2015. Collection method: clinical testing. Allele origin: germline. Observed: 2 variant alleles, 2 heterozygotes.

PreventionGenetics, part of Exact Sciences
Classification: Likely benign for DSP-related condition. Last evaluated: 2019-11-08. Review status: no assertion criteria provided. Collection method: clinical testing. Allele origin: germline. Not counted in ClinVar's aggregate classification.
Comment: This variant is classified as likely benign based on ACMG/AMP sequence variant interpretation guidelines (Richards et al. 2015 PMID: 25741868, with internal and published modifications).

Laboratory for Molecular Medicine, Mass General Brigham Personalized Medicine
Classification: Uncertain significance. Last evaluated: 2014-01-30. Review status: no assertion criteria provided. Collection method: clinical testing. Allele origin: germline. Observed: 1 variant allele. Not counted in ClinVar's aggregate classification.
Comment: proposed classification - variant undergoing re-assessment, contact laboratory

NM_004415.4(DSP):c.8111AGA[2] (p.Lys2706del)

Gene: DSP (desmoplakin; plus strand). Cytogenetic location: 6p24.3.
Variant type: Microsatellite.
Coding change: c.8111AGA[2] on transcript NM_004415.4 (MANE Select); two copies in a row of the 3-base unit AGA starting at c.8111; the reference has three copies in a row; one copy, 3 bases deleted; also written c.8117_8119del.
Protein change: p.Lys2706del; deletes lysine 2706.
Molecular consequence: inframe deletion.
Genome position (GRCh38, 1-based): chr6:7,585,379-7,585,381, AGA deleted; deleting any 3 consecutive bases within chr6:7,585,372-7,585,381 gives the same sequence; the position shown is the placement nearest the transcript's 3' end. VCF-style (leftmost placement, unchanged base first): chr6-7585371-AAAG-A. GRCh37 (hg19) VCF-style: chr6-7585604-AAAG-A.
Other names: c.8117_8119delAGA (NM_004415.3); c.8117_8119del (NM_004415.2); c.6314AGA[2], p.Lys2107del (NM_001008844.3); c.6782AGA[2], p.Lys2263del (NM_001319034.2); short protein forms K2706del, K2107del, K2263del.
Identifiers: ClinVar variation 44960 (VCV000044960.34), dbSNP rs397516962, ClinGen allele CA007387.